The following is an entry in ClinVar:

ClinVar aggregate classification (germline): Uncertain significance (1 of 4 stars; one submission).

Conditions:
Dilated cardiomyopathy 1JJ (CMD1JJ). Identifiers: Orphanet 154, MedGen C3808935, MONDO:0014095, OMIM 615235.

gnomAD v4.1: 4 of 1,607,420 alleles (0.00025%); highest among the groups gnomAD compares: Non-Finnish European, 0.00026%; no homozygotes.

Submission:

Labcorp Genetics (formerly Invitae), Labcorp
Classification: Uncertain significance for Dilated cardiomyopathy 1JJ. Last evaluated: 2025-06-01. Review status: criteria provided, single submitter. Criteria: Invitae Variant Classification Sherloc (09022015). Collection method: clinical testing. Allele origin: germline.
Comment: This sequence change replaces methionine, which is neutral and non-polar, with isoleucine, which is neutral and non-polar, at codon 888 of the LAMA4 protein (p.Met888Ile). This variant is not present in population databases (gnomAD no frequency). This variant has not been reported in the literature in individuals affected with LAMA4-related conditions. An algorithm developed to predict the effect of missense changes on protein structure and function (PolyPhen-2) suggests that this variant is likely to be tolerated. In summary, the available evidence is currently insufficient to determine the role of this variant in disease. Therefore, it has been classified as a Variant of Uncertain Significance.

NM_001105206.3(LAMA4):c.2685G>C (p.Met895Ile)

Genes: LAMA4 (laminin subunit alpha 4; minus strand), LOC126859766 (MED14-independent group 3 enhancer GRCh37_chr6:112462018-112463217; plus strand). Cytogenetic location: 6q21.
Variant type: single nucleotide variant.
Coding change: c.2685G>C on transcript NM_001105206.3 (MANE Select); coding-DNA position 2685, G replaced by C.
Protein change: p.Met895Ile; replaces methionine 895 with isoleucine.
Molecular consequence: missense variant.
Genome position (GRCh38, 1-based): chr6:112,141,486, C>G on the plus strand (G>C on the coding strand, the complement: LAMA4 is on the minus strand). VCF-style: chr6-112141486-C-G. GRCh37 (hg19) VCF-style: chr6-112462688-C-G.
Other names: c.2664G>C, p.Met888Ile (NM_001105207.3, NM_002290.5); short protein forms M888I, M895I.
Identifiers: ClinVar variation 4768361 (VCV004768361.1).
Genomic context (GRCh38, chr6:112,141,486, plus strand): 5'-CACATCTTTAGTTCCCAAATTATAGACGTATACCAGATTATCATTTTTGATTGCAAGACC[C>G]ATATACTCTTTTTTGGCCTGAAATATCAAGAAGTAAGAAGTCATTTAAATAAAATTCATA-3'
Protein context (NP_001098676.2, residues 885-905): LGSKNAKKEY[Met895Ile]GLAIKNDNLV